The following is an entry in ClinVar:

NM_173543.3(DZIP1L):c.1537G>C (p.Val513Leu)

Gene: DZIP1L (DAZ interacting zinc finger protein 1 like; minus strand). Cytogenetic location: 3q22.3.
Variant type: single nucleotide variant.
Coding change: c.1537G>C on transcript NM_173543.3 (MANE Select); coding-DNA position 1537, G replaced by C.
Protein change: p.Val513Leu; replaces valine 513 with leucine.
Molecular consequence: missense variant.
Genome position (GRCh38, 1-based): chr3:138,071,721, C>G on the plus strand (G>C on the coding strand, the complement: DZIP1L is on the minus strand). VCF-style: chr3-138071721-C-G. GRCh37 (hg19) VCF-style: chr3-137790563-C-G.
Other names: c.1537G>C, p.Val513Leu (NM_001170538.1); short protein forms V513L.
Identifiers: ClinVar variation 2041938 (VCV002041938.4), dbSNP rs2472624241, ClinGen allele CA354665999.

ClinVar aggregate classification (germline): Uncertain significance (1 of 4 stars; one submission).

Allele frequency attached by ClinVar (database versions not stated): gnomAD exomes below 0.00001.
gnomAD v4.1: 1 of 1,614,240 alleles (0.000062%); highest among the groups gnomAD compares: Non-Finnish European, 0.000085%; no homozygotes.

Submission:

Labcorp Genetics (formerly Invitae), Labcorp
Classification: Uncertain significance. Last evaluated: 2024-02-24. Review status: criteria provided, single submitter. Criteria: Invitae Variant Classification Sherloc (09022015). Collection method: clinical testing. Allele origin: germline.
Comment: This sequence change replaces valine, which is neutral and non-polar, with leucine, which is neutral and non-polar, at codon 513 of the DZIP1L protein (p.Val513Leu). This variant is not present in population databases (gnomAD no frequency). This variant has not been reported in the literature in individuals affected with DZIP1L-related conditions. ClinVar contains an entry for this variant (Variation ID: 2041938). An algorithm developed to predict the effect of missense changes on protein structure and function (PolyPhen-2) suggests that this variant is likely to be tolerated. In summary, the available evidence is currently insufficient to determine the role of this variant in disease. Therefore, it has been classified as a Variant of Uncertain Significance.